The following is an entry in ClinVar:

ClinVar aggregate classification (germline): Uncertain significance (1 of 4 stars; one submission).

Conditions:
Bethlem myopathy 2 (BTHLM2). Identifiers: Orphanet 536516, Orphanet 610, MedGen C4225313, MONDO:0034022, OMIM 616471.
Ullrich congenital muscular dystrophy 2 (UCMD2). Identifiers: Orphanet 75840, MedGen C4225314, MONDO:0014654, OMIM 616470.

Allele frequency attached by ClinVar (database versions not stated): 1000 Genomes Project 30x 0.00016; gnomAD 0.00001; TOPMed 0.00001; 1000 Genomes Project 0.00020.
gnomAD v4.1: 14 of 1,613,074 alleles (0.00087%); highest among the groups gnomAD compares: Admixed American, 0.005%; no homozygotes.

Submission:

Labcorp Genetics (formerly Invitae), Labcorp
Classification: Uncertain significance for Bethlem myopathy 2; Ullrich congenital muscular dystrophy 2. Last evaluated: 2026-01-01. Review status: criteria provided, single submitter. Criteria: Invitae Variant Classification Sherloc (09022015). Collection method: clinical testing. Allele origin: germline.
Comment: This sequence change affects codon 249 of the COL12A1 mRNA. It is a 'silent' change, meaning that it does not change the encoded amino acid sequence of the COL12A1 protein. This variant is present in population databases (rs553802363, gnomAD 0.006%). This variant has not been reported in the literature in individuals affected with COL12A1-related conditions. ClinVar contains an entry for this variant (Variation ID: 1369860). Algorithms developed to predict the effect of sequence changes on RNA splicing suggest that this variant may create or strengthen a splice site. In summary, the available evidence is currently insufficient to determine the role of this variant in disease. Therefore, it has been classified as a Variant of Uncertain Significance.

NM_004370.6(COL12A1):c.747G>A (p.Thr249=)

Gene: COL12A1 (collagen type XII alpha 1 chain; minus strand). Cytogenetic location: 6q13.
Variant type: single nucleotide variant.
Coding change: c.747G>A on transcript NM_004370.6 (MANE Select); coding-DNA position 747, G replaced by A.
Protein change: p.Thr249=; no amino-acid change (threonine 249 retained).
Molecular consequence: synonymous variant. On other transcripts: intron variant (1).
Genome position (GRCh38, 1-based): chr6:75,189,293, C>T on the plus strand (G>A on the coding strand, the complement: COL12A1 is on the minus strand). VCF-style: chr6-75189293-C-T. GRCh37 (hg19) VCF-style: chr6-75899009-C-T.
Other names: c.73+13427G>A (NM_080645.3).
Identifiers: ClinVar variation 1369860 (VCV001369860.6), dbSNP rs553802363, ClinGen allele CA3894355.